The following is an entry in ClinVar:

NM_014967.5(FAN1):c.877G>T (p.Val293Phe)

Gene: FAN1 (FANCD2 and FANCI associated nuclease 1; plus strand). Cytogenetic location: 15q13.3.
Variant type: single nucleotide variant.
Coding change: c.877G>T on transcript NM_014967.5 (MANE Select); coding-DNA position 877, G replaced by T.
Protein change: p.Val293Phe; replaces valine 293 with phenylalanine.
Molecular consequence: missense variant.
Genome position (GRCh38, 1-based): chr15:30,905,540, G>T. VCF-style: chr15-30905540-G-T. GRCh37 (hg19) VCF-style: chr15-31197743-G-T.
Other names: c.877G>T, p.Val293Phe (NM_001146094.2, NM_001146095.1, NM_001146096.2); short protein forms V293F.
Identifiers: ClinVar variation 1498865 (VCV001498865.7), dbSNP rs747058468, ClinGen allele CA7450142.

ClinVar aggregate classification (germline): Uncertain significance. Review status: criteria provided, multiple submitters, no conflicts (2 of 4 stars). 2 submissions from 2 submitters: Uncertain significance (2). Last evaluated 2025-06-12.

Conditions:
Karyomegalic interstitial nephritis. Identifiers: Orphanet 401996, MedGen C3553774, MONDO:0013898, OMIM 614817.

Allele frequency attached by ClinVar (database versions not stated): gnomAD exomes below 0.00001 and 0.00001; ExAC 0.00001; gnomAD 0.00001; TOPMed 0.00002.
gnomAD v4.1: 16 of 1,613,788 alleles (0.00099%); highest among the groups gnomAD compares: African/African-American, 0.008%; no homozygotes.

Submissions (2):

Labcorp Genetics (formerly Invitae), Labcorp
Classification: Uncertain significance. Last evaluated: 2025-06-12. Review status: criteria provided, single submitter. Criteria: Invitae Variant Classification Sherloc (09022015). Collection method: clinical testing. Allele origin: germline.
Comment: This sequence change replaces valine, which is neutral and non-polar, with phenylalanine, which is neutral and non-polar, at codon 293 of the FAN1 protein (p.Val293Phe). This variant is present in population databases (rs747058468, gnomAD 0.0009%). This variant has not been reported in the literature in individuals affected with FAN1-related conditions. ClinVar contains an entry for this variant (Variation ID: 1498865). An algorithm developed to predict the effect of missense changes on protein structure and function (PolyPhen-2) suggests that this variant is likely to be tolerated. In summary, the available evidence is currently insufficient to determine the role of this variant in disease. Therefore, it has been classified as a Variant of Uncertain Significance.

Fulgent Genetics
Classification: Uncertain significance for Karyomegalic interstitial nephritis. Last evaluated: 2022-05-24. Review status: criteria provided, single submitter. Criteria: ACMG Guidelines, 2015. Collection method: clinical testing. Allele origin: unknown.